The following is an entry in ClinVar:

NM_024422.6(DSC2):c.1888+92A>G

Gene: DSC2 (desmocollin 2; minus strand). Cytogenetic location: 18q12.1.
Variant type: single nucleotide variant.
Coding change: c.1888+92A>G on transcript NM_024422.6 (MANE Select); 92 bases into the intron after coding-DNA position 1888, A replaced by G.
Molecular consequence: intron variant.
Genome position (GRCh38, 1-based): chr18:31,074,591, T>C on the plus strand (A>G on the coding strand, the complement: DSC2 is on the minus strand). VCF-style: chr18-31074591-T-C. GRCh37 (hg19) VCF-style: chr18-28654557-T-C.
Other names: c.1888+92A>G (NM_004949.5).
Identifiers: ClinVar variation 675856 (VCV000675856.1), dbSNP rs148570239, ClinGen allele CA297690561.

ClinVar aggregate classification (germline): Likely benign (1 of 4 stars; one submission).

Allele frequency attached by ClinVar (database versions not stated): gnomAD exomes 0.00059; gnomAD 0.00636 and 0.00675; TOPMed 0.00696; 1000 Genomes Project 0.00739; 1000 Genomes Project 30x 0.00828.
gnomAD v4.1: 1,596 of 1,169,902 alleles (0.14%); highest among the groups gnomAD compares: African/African-American, 2.1%; 14 homozygotes.

Submission:

GeneDx
Classification: Likely benign. Last evaluated: 2018-06-14. Review status: criteria provided, single submitter. Criteria: GeneDx Variant Classification (06012015). Collection method: clinical testing. Allele origin: germline. Affected: yes.
Comment: This variant is considered likely benign or benign based on one or more of the following criteria: it is a conservative change, it occurs at a poorly conserved position in the protein, it is predicted to be benign by multiple in silico algorithms, and/or has population frequency not consistent with disease.